The following is an entry in ClinVar:

ClinVar aggregate classification (germline): Uncertain significance (1 of 4 stars; one submission).

Conditions:
SCAPER-related disorder. Also called: SCAPER-related condition.

gnomAD v4.1: 26 of 1,606,428 alleles (0.0016%); highest among the groups gnomAD compares: Middle Eastern, 0.017%; no homozygotes.

Submission:

PreventionGenetics, part of Exact Sciences
Classification: Uncertain significance for SCAPER-related condition. Last evaluated: 2025-08-27. Review status: criteria provided, single submitter. Criteria: ACMG Guidelines, 2015. Collection method: clinical testing. Allele origin: germline.
Comment: The SCAPER c.641G>A variant is predicted to result in the amino acid substitution p.Arg214His. To our knowledge, this variant has not been reported in the literature. This variant is reported in 0.0042% of alleles in individuals of African descent in gnomAD. At this time, the clinical significance of this variant is uncertain due to the absence of conclusive functional and genetic evidence.

NM_020843.4(SCAPER):c.641G>A (p.Arg214His)

Gene: SCAPER (S-phase cyclin A associated protein in the ER; minus strand). Cytogenetic location: 15q24.3.
Variant type: single nucleotide variant.
Coding change: c.641G>A on transcript NM_020843.4 (MANE Select); coding-DNA position 641, G replaced by A.
Protein change: p.Arg214His; replaces arginine 214 with histidine.
Molecular consequence: missense variant. On other transcripts: 5 prime UTR variant (1), non-coding transcript variant (1).
Genome position (GRCh38, 1-based): chr15:76,795,411, C>T on the plus strand (G>A on the coding strand, the complement: SCAPER is on the minus strand). VCF-style: chr15-76795411-C-T. GRCh37 (hg19) VCF-style: chr15-77087752-C-T.
Other names: c.-257G>A (NM_001145923.2); c.641G>A, p.Arg214His (NM_001353009.2); c.239G>A, p.Arg80His (NM_001353010.2, NM_001353011.2, NM_001353012.2); short protein forms R214H, R80H.
Identifiers: ClinVar variation 4989674 (VCV004989674.1).